The following is an entry in ClinVar:

ClinVar aggregate classification (germline): Uncertain significance (1 of 4 stars; one submission).

gnomAD v4.1: 2 of 1,613,854 alleles (0.00012%); highest among the groups gnomAD compares: Non-Finnish European, 0.00017%; no homozygotes.

Submission:

Ambry Genetics
Classification: Uncertain significance. Last evaluated: 2024-09-18. Review status: criteria provided, single submitter. Criteria: Ambry Variant Classification Scheme 2023. Collection method: clinical testing. Allele origin: germline.
Comment: The p.E22V variant (also known as c.65A>T), located in coding exon 2 of the RECQL gene, results from an A to T substitution at nucleotide position 65. The glutamic acid at codon 22 is replaced by valine, an amino acid with dissimilar properties. This amino acid position is conserved. In addition, the in silico prediction for this alteration is inconclusive. Based on the available evidence, the clinical significance of this variant remains unclear.

NM_002907.4(RECQL):c.65A>T (p.Glu22Val)

Gene: RECQL (RecQ like helicase; minus strand). Cytogenetic location: 12p12.1.
Variant type: single nucleotide variant.
Coding change: c.65A>T on transcript NM_002907.4 (MANE Select); coding-DNA position 65, A replaced by T.
Protein change: p.Glu22Val; replaces glutamic acid 22 with valine.
Molecular consequence: missense variant.
Genome position (GRCh38, 1-based): chr12:21,491,668, T>A on the plus strand (A>T on the coding strand, the complement: RECQL is on the minus strand). VCF-style: chr12-21491668-T-A. GRCh37 (hg19) VCF-style: chr12-21644602-T-A.
Other names: c.65A>T, p.Glu22Val (NM_032941.3); short protein forms E22V.
Identifiers: ClinVar variation 3431798 (VCV003431798.1).